The following is an entry in ClinVar:

ClinVar aggregate classification (germline): Likely benign. Review status: criteria provided, multiple submitters, no conflicts (2 of 4 stars). 2 submissions from 2 submitters: Likely benign (2). Last evaluated 2024-01-04.

Allele frequency attached by ClinVar (database versions not stated): TOPMed 0.00006; gnomAD 0.00007; ESP Exome Variant Server 0.00008; gnomAD exomes 0.00010 and 0.00014; ExAC 0.00011; 1000 Genomes Project 30x 0.00016; 1000 Genomes Project 0.00020.
gnomAD v4.1: 204 of 1,613,844 alleles (0.013%); highest among the groups gnomAD compares: Non-Finnish European, 0.017%; no homozygotes.

Submissions (2):

Labcorp Genetics (formerly Invitae), Labcorp
Classification: Likely benign. Last evaluated: 2024-01-04. Review status: criteria provided, single submitter. Criteria: Invitae Variant Classification Sherloc (09022015). Collection method: clinical testing. Allele origin: germline.

Laboratory for Molecular Medicine, Mass General Brigham Personalized Medicine
Classification: Likely benign. Last evaluated: 2016-09-01. Review status: criteria provided, single submitter. Criteria: LMM Criteria. Collection method: clinical testing. Allele origin: germline. Observed: 2 variant alleles.
Comment: p.Val302Val in exon 9 of RDX : This variant is not expected to have clinical sig nificance because it does not alter an amino acid residue and is not located wit hin the splice consensus sequence. It has been identified in 12/66672 European c hromsomes by the Exome Aggregation Consortium (ExAC. org; dbSNP rs375582413).

NM_002906.4(RDX):c.906A>G (p.Val302=)

Gene: RDX (radixin; minus strand). Cytogenetic location: 11q22.3.
Variant type: single nucleotide variant.
Coding change: c.906A>G on transcript NM_002906.4 (MANE Select); coding-DNA position 906, A replaced by G.
Protein change: p.Val302=; no amino-acid change (valine 302 retained).
Molecular consequence: synonymous variant. On other transcripts: intron variant (2).
Genome position (GRCh38, 1-based): chr11:110,253,999, T>C on the plus strand (A>G on the coding strand, the complement: RDX is on the minus strand). VCF-style: chr11-110253999-T-C. GRCh37 (hg19) VCF-style: chr11-110124724-T-C.
Other names: c.906A>G, p.Val302= (NM_001260492.2, NM_001260493.2); c.498A>G, p.Val166= (NM_001260494.2); c.-82-6166A>G (NM_001260495.2); c.404+4158A>G (NM_001260496.2).
Identifiers: ClinVar variation 505257 (VCV000505257.8), dbSNP rs375582413, ClinGen allele CA6270181.